The following is an entry in ClinVar:

NM_012208.4(HARS2):c.172A>G (p.Lys58Glu)

Gene: HARS2 (histidyl-tRNA synthetase 2, mitochondrial; plus strand). Cytogenetic location: 5q31.3.
Variant type: single nucleotide variant.
Coding change: c.172A>G on transcript NM_012208.4 (MANE Select); coding-DNA position 172, A replaced by G.
Protein change: p.Lys58Glu; replaces lysine 58 with glutamic acid.
Molecular consequence: missense variant. On other transcripts: 5 prime UTR variant (2), intron variant (1).
Genome position (GRCh38, 1-based): chr5:140,693,654, A>G. VCF-style: chr5-140693654-A-G. GRCh37 (hg19) VCF-style: chr5-140073239-A-G.
Other names: p.K58E:AAG>GAG; c.-39A>G (NM_001278732.2, NM_001363536.2); c.190A>G, p.Lys64Glu (NM_001363535.2); c.109-281A>G (NM_001278731.2); short protein forms K58E, K64E.
Identifiers: ClinVar variation 214542 (VCV000214542.10), dbSNP rs201392711, ClinGen allele CA321856.

ClinVar aggregate classification (germline): Conflicting classifications of pathogenicity. Review status: criteria provided, conflicting classifications (1 of 4 stars). 3 submissions from 3 submitters: Likely pathogenic (1); Uncertain significance (1). 1 of the submissions does not count toward it. Last evaluated 2025-12-11.

Conditions:
Perrault syndrome 2 (PRLTS2). Identifiers: Orphanet 2855, Orphanet 642976, MedGen C3554105, MONDO:0013972, OMIM 614926.

Allele frequency attached by ClinVar (database versions not stated): ExAC 0.00004; gnomAD exomes 0.00006 and 0.00016; gnomAD 0.00007; TOPMed 0.00009; ESP Exome Variant Server 0.00015.
gnomAD v4.1: 241 of 1,613,408 alleles (0.015%); highest among the groups gnomAD compares: Non-Finnish European, 0.019%; no homozygotes.

Submissions (3):

Labcorp Genetics (formerly Invitae), Labcorp
Classification: Likely pathogenic. Last evaluated: 2025-12-11. Review status: criteria provided, single submitter. Criteria: Invitae Variant Classification Sherloc (09022015). Collection method: clinical testing. Allele origin: germline.
Comment: This sequence change replaces lysine, which is basic and polar, with glutamic acid, which is acidic and polar, at codon 58 of the HARS2 protein (p.Lys58Glu). This variant is present in population databases (rs201392711, gnomAD 0.02%). This missense change has been observed in individual(s) with clinical features of Perrault syndrome (PMID: 31449985). In at least one individual the data is consistent with being in trans (on the opposite chromosome) from a pathogenic variant. It has also been observed to segregate with disease in related individuals. ClinVar contains an entry for this variant (Variation ID: 214542). Invitae Evidence Modeling of protein sequence and biophysical properties (such as structural, functional, and spatial information, amino acid conservation, physicochemical variation, residue mobility, and thermodynamic stability) has been performed for this missense variant. However, the output from this modeling did not meet the statistical confidence thresholds required to predict the impact of this variant on HARS2 protein function. In summary, the currently available evidence indicates that the variant is pathogenic, but additional data are needed to prove that conclusively. Therefore, this variant has been classified as Likely Pathogenic.

GeneDx
Classification: Uncertain significance. Last evaluated: 2025-10-28. Review status: criteria provided, single submitter. Criteria: GeneDx Variant Classification Process June 2021. Collection method: clinical testing. Allele origin: germline. Affected: yes.
Comment: In silico analysis supports that this missense variant has a deleterious effect on protein structure/function; This variant is associated with the following publications: (PMID: 31589614, 31449985)

Department of Clinical Genetics, Copenhagen University Hospital, Rigshospitalet
Classification: Likely pathogenic for Perrault syndrome 2. Last evaluated: 2019-05-20. Review status: no assertion criteria provided. Collection method: clinical testing. Allele origin: maternal. Not counted in ClinVar's aggregate classification.
Comment: Variant detected as compound heterozygous, together with c.448C>T in three siblings (two girls) with progressive sensorineural hearing impairment. Signs of premature ovarian failure were uncertain due to their young age.

Variants detected in three siblings (two girls) with progressive sensorineural hearing impairment. Signs of premature ovarian failure were uncertain due to their young age.

Literature cited by the submitters: PubMed 31449985 (cited by Labcorp Genetics (formerly Invitae), Labcorp).